The following is an entry in ClinVar:

ClinVar aggregate classification (germline): Pathogenic (1 of 4 stars; one submission).

Conditions:
Medium-chain acyl-coenzyme A dehydrogenase deficiency (ACADMD). Also called: ACADM DEFICIENCY; MCAD Deficiency; MCADH DEFICIENCY; MCADD; Medium chain acyl-CoA dehydrogenase deficiency; CARNITINE DEFICIENCY SECONDARY TO MEDIUM-CHAIN ACYL-CoA DEHYDROGENASE DEFICIENCY. Identifiers: Orphanet 42, MedGen C0220710, MONDO:0008721, OMIM 201450.

Submission:

Labcorp Genetics (formerly Invitae), Labcorp
Classification: Pathogenic for Medium-chain acyl-coenzyme A dehydrogenase deficiency. Last evaluated: 2023-07-27. Review status: criteria provided, single submitter. Criteria: Invitae Variant Classification Sherloc (09022015). Collection method: clinical testing. Allele origin: germline.
Comment: For these reasons, this variant has been classified as Pathogenic. This variant disrupts a region of the ACADM protein in which other variant(s) (p.Tyr397Leufs*5) have been determined to be pathogenic (PMID: 9158144; Invitae). This suggests that this is a clinically significant region of the protein, and that variants that disrupt it are likely to be disease-causing. This variant has not been reported in the literature in individuals affected with ACADM-related conditions. This variant is not present in population databases (gnomAD no frequency). This sequence change creates a premature translational stop signal (p.Lys389Asnfs*2) in the ACADM gene. While this is not anticipated to result in nonsense mediated decay, it is expected to disrupt the last 33 amino acid(s) of the ACADM protein.

Literature cited by the submitters: PubMed 9158144.

NM_000016.6(ACADM):c.1167del (p.Lys389fs)

Gene: ACADM (acyl-CoA dehydrogenase medium chain; plus strand). Cytogenetic location: 1p31.1.
Variant type: Deletion.
Coding change: c.1167del on transcript NM_000016.6 (MANE Select); coding-DNA position 1167, one base deleted (A; older notation c.1167delA).
Protein change: p.Lys389fs; shifts the reading frame from lysine 389.
Molecular consequence: frameshift variant.
Genome position (GRCh38, 1-based): chr1:75,761,343, A deleted; the last of 5 consecutive A bases (chr1:75,761,339-75,761,343); deleting any one gives the same sequence. VCF-style (leftmost placement, unchanged base first): chr1-75761338-GA-G. GRCh37 (hg19) VCF-style: chr1-76227023-GA-G.
Other names: c.1179del, p.Lys393fs (NM_001127328.3); c.1059del, p.Lys353fs (NM_001286042.2); c.1266del, p.Lys422fs (NM_001286043.2); c.600del, p.Lys200fs (NM_001286044.2); short protein forms K389fs, K200fs, K353fs, K422fs, K393fs.
Identifiers: ClinVar variation 2747424 (VCV002747424.3), dbSNP rs2525699682, ClinGen allele CA2697552482.